The following is an entry in ClinVar:

ClinVar aggregate classification (germline): Uncertain significance (1 of 4 stars; one submission).

Conditions:
Dilated cardiomyopathy 1W (CMD1W). Identifiers: Orphanet 154, MedGen C1969639, MONDO:0012667, OMIM 611407.

Submission:

Labcorp Genetics (formerly Invitae), Labcorp
Classification: Uncertain significance for Dilated cardiomyopathy 1W. Last evaluated: 2025-10-09. Review status: criteria provided, single submitter. Criteria: Invitae Variant Classification Sherloc (09022015). Collection method: clinical testing. Allele origin: germline.
Comment: This sequence change replaces glycine, which is neutral and non-polar, with alanine, which is neutral and non-polar, at codon 826 of the VCL protein (p.Gly826Ala). This variant is not present in population databases (gnomAD no frequency). This variant has not been reported in the literature in individuals affected with VCL-related conditions. An algorithm developed to predict the effect of missense changes on protein structure and function (PolyPhen-2) suggests that this variant is likely to be tolerated. In summary, the available evidence is currently insufficient to determine the role of this variant in disease. Therefore, it has been classified as a Variant of Uncertain Significance.

NM_014000.3(VCL):c.2477G>C (p.Gly826Ala)

Gene: VCL (vinculin; plus strand). Cytogenetic location: 10q22.2.
Variant type: single nucleotide variant.
Coding change: c.2477G>C on transcript NM_014000.3 (MANE Select); coding-DNA position 2477, G replaced by C.
Protein change: p.Gly826Ala; replaces glycine 826 with alanine.
Molecular consequence: missense variant.
Genome position (GRCh38, 1-based): chr10:74,107,272, G>C. VCF-style: chr10-74107272-G-C. GRCh37 (hg19) VCF-style: chr10-75867030-G-C.
Other names: c.2477G>C, p.Gly826Ala (NM_003373.4); short protein forms G826A.
Identifiers: ClinVar variation 4728779 (VCV004728779.1).